The following is an entry in ClinVar:

ClinVar aggregate classification (germline): Uncertain significance. Review status: criteria provided, multiple submitters, no conflicts (2 of 4 stars). 3 submissions from 3 submitters: Uncertain significance (3). Last evaluated 2025-01-06.

Conditions:
Malignant hyperthermia, susceptibility to, 1 (MHS1). Also called: Anesthesia related hyperthermia; Malignant hyperpyrexia; Fulminating hyperpyrexia; Pharmacogenic myopathy; Malignant hyperthermia suceptibility 1; RYR1-Related Malignant Hyperthermia Susceptibility. Identifiers: Orphanet 423, MedGen C2930980, MONDO:0007783, OMIM 145600.

Submissions (3):

Women's Health and Genetics/Laboratory Corporation of America, LabCorp
Classification: Uncertain significance. Last evaluated: 2025-01-06. Review status: criteria provided, single submitter. Criteria: LabCorp Variant Classification Summary - May 2015. Collection method: clinical testing. Allele origin: germline.
Comment: Variant summary: RYR1 c.12473G>A (p.Arg4158His) results in a non-conservative amino acid change in the encoded protein sequence. Five of five in-silico tools predict a damaging effect of the variant on protein function. The variant was absent in 251150 control chromosomes. The available data on variant occurrences in the general population are insufficient to allow any conclusion about variant significance. To our knowledge, no occurrence of c.12473G>A in individuals affected with Congenital multicore myopathy with external ophthalmoplegia and no experimental evidence demonstrating its impact on protein function have been reported. ClinVar contains an entry for this variant (Variation ID: 2435618). Based on the evidence outlined above, the variant was classified as uncertain significance.

All of Us Research Program, National Institutes of Health
Classification: Uncertain significance for Malignant hyperthermia, susceptibility to, 1. Last evaluated: 2023-09-17. Review status: criteria provided, single submitter. Criteria: ACMG Guidelines, 2015. Collection method: clinical testing. Allele origin: germline. Inheritance: Autosomal dominant inheritance. Observed: 1 variant allele, 1 heterozygote.
Comment: This missense variant replaces arginine with histidine at codon 4158 of the RYR1 protein. Computational prediction suggests that this variant may have deleterious impact on protein structure and function (internally defined REVEL score threshold >= 0.7, PMID: 27666373). To our knowledge, functional studies have not been reported for this variant. This variant has not been reported in individuals affected with RYR1-related disorders in the literature. This variant has not been identified in the general population by the Genome Aggregation Database (gnomAD). The available evidence is insufficient to determine the role of this variant in disease conclusively. Therefore, this variant is classified as a Variant of Uncertain Significance.

This study involves interpretation of variants in research participants for the purpose of population health screening. Participant phenotype was not available at the time of variant classification. Additional details can be found in publication PMID: 35346344, PMCID: PMC8962531

Revvity Omics, Revvity
Classification: Uncertain significance. Last evaluated: 2021-05-19. Review status: criteria provided, single submitter. Criteria: ACMG Guidelines, 2015. Collection method: clinical testing. Allele origin: germline.

NM_000540.3(RYR1):c.12473G>A (p.Arg4158His)

Gene: RYR1 (ryanodine receptor 1; plus strand). Cytogenetic location: 19q13.2.
Variant type: single nucleotide variant.
Coding change: c.12473G>A on transcript NM_000540.3 (MANE Select); coding-DNA position 12473, G replaced by A.
Protein change: p.Arg4158His; replaces arginine 4158 with histidine.
Molecular consequence: missense variant.
Genome position (GRCh38, 1-based): chr19:38,561,303, G>A. VCF-style: chr19-38561303-G-A. GRCh37 (hg19) VCF-style: chr19-39051943-G-A.
Other names: c.12458G>A, p.Arg4153His (NM_001042723.2); short protein forms R4153H, R4158H.
Identifiers: ClinVar variation 2435618 (VCV002435618.6), dbSNP rs2514653381, ClinGen allele CA405669151.
Genomic context (GRCh38, chr19:38,561,303, plus strand): 5'-TCGGCTTCAACGTGGCGGTGCTGCTGACCAACCTGTCGGAGCATGTGCCGCATGACCCTC[G>A]CCTGCACAACTTCCTGGAGCTGGCCGAGAGCATCCTTGAGTACTTCCGCCCCTACCTGGG-3'
Protein context (NP_000531.2, residues 4148-4168): NLSEHVPHDP[Arg4158His]LHNFLELAES